The following is an entry in ClinVar:

ClinVar aggregate classification (germline): Likely benign (1 of 4 stars; one submission).

Conditions:
Ehlers-Danlos syndrome, type 4 (EDSVASC). Also called: Ehlers-Danlos syndrome vascular type; Ehlers Danlos syndrome, ecchymotic type; Ehlers Danlos syndrome, arterial type; Ehlers Danlos syndrome, Sack-Barabas type; Ehlers-Danlos Syndrome Type IV. Identifiers: Orphanet 286, MedGen C0268338, MONDO:0017314, OMIM 130050.

Submission:

All of Us Research Program, National Institutes of Health
Classification: Likely benign for Ehlers-Danlos syndrome, type 4. Last evaluated: 2024-04-16. Review status: criteria provided, single submitter. Criteria: ACMG Guidelines, 2015. Collection method: clinical testing. Allele origin: germline. Inheritance: Autosomal dominant inheritance. Observed: 1 variant allele, 1 heterozygote.
Comment: This study involves interpretation of variants in research participants for the purpose of population health screening. Participant phenotype was not available at the time of variant classification. Additional details can be found in publication PMID: 35346344, PMCID: PMC8962531

NM_000090.4(COL3A1):c.334-3dup

Gene: COL3A1 (collagen type III alpha 1 chain; plus strand). Cytogenetic location: 2q32.2.
Variant type: Duplication.
Coding change: c.334-3dup on transcript NM_000090.4 (MANE Select); 3 bases into the intron before coding-DNA position 334, one base duplicated (T; older notation c.334-3dupT).
Molecular consequence: intron variant.
Genome position (GRCh38, 1-based): chr2:188,985,662, T duplicated; the last of 6 consecutive T bases (chr2:188,985,657-188,985,662); duplicating any one gives the same sequence. VCF-style (leftmost placement, unchanged base first): chr2-188985656-C-CT. GRCh37 (hg19) VCF-style: chr2-189850382-C-CT.
Identifiers: ClinVar variation 3386431 (VCV003386431.1).